The following is an entry in ClinVar:

NM_001105206.3(LAMA4):c.3009T>A (p.Val1003=)

Gene: LAMA4 (laminin subunit alpha 4; minus strand). Cytogenetic location: 6q21.
Variant type: single nucleotide variant.
Coding change: c.3009T>A on transcript NM_001105206.3 (MANE Select); coding-DNA position 3009, T replaced by A.
Protein change: p.Val1003=; no amino-acid change (valine 1003 retained).
Molecular consequence: synonymous variant.
Genome position (GRCh38, 1-based): chr6:112,139,853, A>T on the plus strand (T>A on the coding strand, the complement: LAMA4 is on the minus strand). VCF-style: chr6-112139853-A-T. GRCh37 (hg19) VCF-style: chr6-112461055-A-T.
Other names: c.2988T>A, p.Val996= (NM_001105207.3, NM_002290.5).
Identifiers: ClinVar variation 4841378 (VCV004841378.1).

ClinVar aggregate classification (germline): Uncertain significance (1 of 4 stars; one submission).

Conditions:
Cardiovascular phenotype. Identifiers: MedGen CN230736.

gnomAD v4.1: 1 of 1,614,130 alleles (0.000062%); highest among the groups gnomAD compares: Non-Finnish European, 0.000085%; no homozygotes.

Submission:

Ambry Genetics
Classification: Uncertain significance for Cardiovascular phenotype. Last evaluated: 2026-01-22. Review status: criteria provided, single submitter. Criteria: Ambry Variant Classification Scheme 2023. Collection method: clinical testing. Allele origin: germline.
Comment: The c.2988T>A variant (also known as p.V996V), located in coding exon 22 of the LAMA4 gene, results from a T to A substitution at nucleotide position 2988. This nucleotide substitution does not change the amino acid at codon 996. This nucleotide position is not well conserved in available vertebrate species. In silico splice site analysis for this alteration is inconclusive. The evidence for this gene-disease relationship is limited; therefore, the clinical significance of this variant is unclear.